The following is an entry in ClinVar:

NM_003664.5(AP3B1):c.1873A>T (p.Thr625Ser)

Gene: AP3B1 (adaptor related protein complex 3 subunit beta 1; minus strand). Cytogenetic location: 5q14.1.
Variant type: single nucleotide variant.
Coding change: c.1873A>T on transcript NM_003664.5 (MANE Select); coding-DNA position 1873, A replaced by T.
Protein change: p.Thr625Ser; replaces threonine 625 with serine.
Molecular consequence: missense variant.
Genome position (GRCh38, 1-based): chr5:78,128,125, T>A on the plus strand (A>T on the coding strand, the complement: AP3B1 is on the minus strand). VCF-style: chr5-78128125-T-A. GRCh37 (hg19) VCF-style: chr5-77423949-T-A.
Other names: c.1873A>T (NM_003664.3); c.1726A>T, p.Thr576Ser (NM_001271769.2); short protein forms T625S, T576S.
Identifiers: ClinVar variation 1041958 (VCV001041958.7), dbSNP rs199908785, ClinGen allele CA3316932.

ClinVar aggregate classification (germline): Uncertain significance. Review status: criteria provided, multiple submitters, no conflicts (2 of 4 stars). 2 submissions from 2 submitters: Uncertain significance (2). Last evaluated 2024-04-23.

Conditions:
Inborn genetic diseases. Identifiers: MedGen C0950123, MeSH D030342.
Hermansky-Pudlak syndrome 2 (HPS2). Also called: Platelet defects and oculocutaneous albinism. Identifiers: Orphanet 183678, Orphanet 79430, MedGen C1842362, MONDO:0011997, OMIM 608233.

Allele frequency attached by ClinVar (database versions not stated): TOPMed 0.00001; gnomAD exomes 0.00008; ExAC 0.00010; 1000 Genomes Project 30x 0.00016; 1000 Genomes Project 0.00020; gnomAD 0.00001.
gnomAD v4.1: 93 of 1,612,186 alleles (0.0058%); highest among the groups gnomAD compares: Middle Eastern, 0.017%; no homozygotes.

Submissions (2):

Ambry Genetics
Classification: Uncertain significance for Inborn genetic diseases. Last evaluated: 2024-04-23. Review status: criteria provided, single submitter. Criteria: Ambry Variant Classification Scheme 2023. Collection method: clinical testing. Allele origin: germline.

Labcorp Genetics (formerly Invitae), Labcorp
Classification: Uncertain significance for Hermansky-Pudlak syndrome 2. Last evaluated: 2022-10-05. Review status: criteria provided, single submitter. Criteria: Invitae Variant Classification Sherloc (09022015). Collection method: clinical testing. Allele origin: germline.
Comment: This sequence change replaces threonine, which is neutral and polar, with serine, which is neutral and polar, at codon 625 of the AP3B1 protein (p.Thr625Ser). This variant is present in population databases (rs199908785, gnomAD 0.02%). This variant has not been reported in the literature in individuals affected with AP3B1-related conditions. ClinVar contains an entry for this variant (Variation ID: 1041958). Algorithms developed to predict the effect of missense changes on protein structure and function (SIFT, PolyPhen-2, Align-GVGD) all suggest that this variant is likely to be tolerated. In summary, the available evidence is currently insufficient to determine the role of this variant in disease. Therefore, it has been classified as a Variant of Uncertain Significance.